The following is an entry in ClinVar:

ClinVar aggregate classification (germline): Uncertain significance (1 of 4 stars; one submission).

gnomAD v4.1: 2 of 1,614,128 alleles (0.00012%); highest among the groups gnomAD compares: Admixed American, 0.0033%; no homozygotes.

Submission:

Ambry Genetics
Classification: Uncertain significance. Last evaluated: 2023-12-24. Review status: criteria provided, single submitter. Criteria: Ambry Variant Classification Scheme 2023. Collection method: clinical testing. Allele origin: germline.
Comment: The p.G276R variant (also known as c.826G>C), located in coding exon 4 of the MNDA gene, results from a G to C substitution at nucleotide position 826. The glycine at codon 276 is replaced by arginine, an amino acid with dissimilar properties. This amino acid position is conserved. In addition, this alteration is predicted to be tolerated by in silico analysis. Since supporting evidence is limited at this time, the clinical significance of this alteration remains unclear.

NM_002432.3(MNDA):c.826G>C (p.Gly276Arg)

Gene: MNDA (myeloid cell nuclear differentiation antigen; plus strand). Cytogenetic location: 1q23.1.
Variant type: single nucleotide variant.
Coding change: c.826G>C on transcript NM_002432.3 (MANE Select); coding-DNA position 826, G replaced by C.
Protein change: p.Gly276Arg; replaces glycine 276 with arginine.
Molecular consequence: missense variant.
Genome position (GRCh38, 1-based): chr1:158,845,842, G>C. VCF-style: chr1-158845842-G-C. GRCh37 (hg19) VCF-style: chr1-158815632-G-C.
Other names: short protein forms G276R.
Identifiers: ClinVar variation 3222212 (VCV003222212.1), dbSNP rs1571660418, ClinGen allele CA343041940.